The following is an entry in ClinVar:

NM_018263.6(ASXL2):c.3126G>A (p.Lys1042=)

Gene: ASXL2 (ASXL transcriptional regulator 2; minus strand). Cytogenetic location: 2p23.3.
Variant type: single nucleotide variant.
Coding change: c.3126G>A on transcript NM_018263.6 (MANE Select); coding-DNA position 3126, G replaced by A.
Protein change: p.Lys1042=; no amino-acid change (lysine 1042 retained).
Molecular consequence: synonymous variant.
Genome position (GRCh38, 1-based): chr2:25,743,211, C>T on the plus strand (G>A on the coding strand, the complement: ASXL2 is on the minus strand). VCF-style: chr2-25743211-C-T. GRCh37 (hg19) VCF-style: chr2-25966080-C-T.
Other names: c.2952G>A, p.Lys984= (NM_001369346.1); c.2346G>A, p.Lys782= (NM_001369347.1).
Identifiers: ClinVar variation 4873102 (VCV004873102.2).

ClinVar aggregate classification (germline): Likely benign (1 of 4 stars; one submission).

Submission:

CeGaT Center for Human Genetics Tuebingen
Classification: Likely benign. Last evaluated: 2026-04-01. Review status: criteria provided, single submitter. Criteria: CeGaT Center For Human Genetics Tuebingen Variant Classification Criteria Version 2. Collection method: clinical testing. Allele origin: germline. Affected: yes. Observed: 1 variant allele.
Comment: ASXL2: PM2:Supporting, BP4, BP7